The following is an entry in ClinVar:

ClinVar aggregate classification (germline): Uncertain significance (1 of 4 stars; one submission).

Submission:

GeneDx
Classification: Uncertain significance. Last evaluated: 2023-06-29. Review status: criteria provided, single submitter. Criteria: GeneDx Variant Classification Process June 2021. Collection method: clinical testing. Allele origin: germline. Affected: yes.
Comment: Has not been previously published as pathogenic or benign to our knowledge; Not observed at significant frequency in large population cohorts (gnomAD); In silico analysis supports that this missense variant has a deleterious effect on protein structure/function

NM_006766.5(KAT6A):c.2258T>C (p.Ile753Thr)

Gene: KAT6A (lysine acetyltransferase 6A; minus strand). Cytogenetic location: 8p11.21.
Variant type: single nucleotide variant.
Coding change: c.2258T>C on transcript NM_006766.5 (MANE Select); coding-DNA position 2258, T replaced by C.
Protein change: p.Ile753Thr; replaces isoleucine 753 with threonine.
Molecular consequence: missense variant.
Genome position (GRCh38, 1-based): chr8:41,942,971, A>G on the plus strand (T>C on the coding strand, the complement: KAT6A is on the minus strand). VCF-style: chr8-41942971-A-G. GRCh37 (hg19) VCF-style: chr8-41800489-A-G.
Other names: c.2258T>C, p.Ile753Thr (NM_001305878.2); short protein forms I753T.
Identifiers: ClinVar variation 2507056 (VCV002507056.1), dbSNP rs2486775321, ClinGen allele CA371072871.